The following is an entry in ClinVar:

ClinVar aggregate classification (germline): Likely benign (1 of 4 stars; one submission).

gnomAD v4.1: 48 of 1,614,116 alleles (0.003%); highest among the groups gnomAD compares: Middle Eastern, 0.016%; no homozygotes.

Submission:

CeGaT Center for Human Genetics Tuebingen
Classification: Likely benign. Last evaluated: 2025-12-01. Review status: criteria provided, single submitter. Criteria: CeGaT Center For Human Genetics Tuebingen Variant Classification Criteria Version 2. Collection method: clinical testing. Allele origin: germline. Affected: yes. Observed: 1 variant allele.
Comment: RNF213: BP4, BP7

NM_001256071.3(RNF213):c.14769T>C (p.Tyr4923=)

Genes: RNF213 (ring finger protein 213; plus strand), RNF213-AS1 (RNF213 antisense RNA 1; minus strand). Cytogenetic location: 17q25.3.
Variant type: single nucleotide variant.
Coding change: c.14769T>C on transcript NM_001256071.3 (MANE Select); coding-DNA position 14769, T replaced by C.
Protein change: p.Tyr4923=; no amino-acid change (tyrosine 4923 retained).
Molecular consequence: synonymous variant.
Genome position (GRCh38, 1-based): chr17:80,386,738, T>C. VCF-style: chr17-80386738-T-C. GRCh37 (hg19) VCF-style: chr17-78360538-T-C.
Other names: c.14916T>C, p.Tyr4972= (NM_001410195.1, NM_020914.5).
Identifiers: ClinVar variation 4681603 (VCV004681603.5).
Genomic context (GRCh38, chr17:80,386,738, plus strand): 5'-TCTGCCCCTCAGCTATTCCGTGGATGCCGCCGAGGTCACTGAACTGCATGTCATCAGTTA[T>C]GAAGTGGAGCGGGACCTGACTCCACTGATTCTCTCCAACTGCCAGTACCAGGTGGAGGAG-3'
Protein context (NP_001243000.2, residues 4913-4933): AEVTELHVIS[Tyr4923=]EVERDLTPLI